The following is an entry in ClinVar:

ClinVar aggregate classification (germline): Pathogenic/Likely pathogenic. Review status: criteria provided, multiple submitters, no conflicts (2 of 4 stars). 2 submissions from 2 submitters: Pathogenic (1); Likely pathogenic (1). Last evaluated 2023-05-17.

Conditions:
Bardet-Biedl syndrome 12 (BBS12). Identifiers: Orphanet 110, MedGen C1859570, MONDO:0014440, OMIM 615989.
Bardet-Biedl syndrome (BBS). Identifiers: Orphanet 110, MedGen C0752166, MONDO:0015229.

Submissions (2):

Baylor Genetics
Classification: Likely pathogenic for Bardet-Biedl syndrome 12. Last evaluated: 2023-05-17. Review status: criteria provided, single submitter. Criteria: ACMG Guidelines, 2015. Collection method: clinical testing. Allele origin: unknown.

Labcorp Genetics (formerly Invitae), Labcorp
Classification: Pathogenic for Bardet-Biedl syndrome. Last evaluated: 2021-06-13. Review status: criteria provided, single submitter. Criteria: Invitae Variant Classification Sherloc (09022015). Collection method: clinical testing. Allele origin: germline.
Comment: This sequence change creates a premature translational stop signal (p.Cys304Tyrfs*7) in the BBS12 gene. While this is not anticipated to result in nonsense mediated decay, it is expected to disrupt the last 407 amino acid(s) of the BBS12 protein. This variant is not present in population databases (ExAC no frequency). This variant has not been reported in the literature in individuals with BBS12-related conditions. This variant disrupts the C-terminus of the BBS12 protein. Other variant(s) that disrupt this region (p.Gln685*) have been determined to be pathogenic (Invitae). This suggests that variants that disrupt this region of the protein are likely to be causative of disease. For these reasons, this variant has been classified as Pathogenic.

NM_152618.3(BBS12):c.911_912del (p.Cys304fs)

Gene: BBS12 (Bardet-Biedl syndrome 12; plus strand). Cytogenetic location: 4q27.
Variant type: Deletion.
Coding change: c.911_912del on transcript NM_152618.3 (MANE Select); coding-DNA positions 911 to 912, 2 bases deleted (GT; older notation c.911_912delGT).
Protein change: p.Cys304fs; shifts the reading frame from cysteine 304.
Molecular consequence: frameshift variant.
Genome position (GRCh38, 1-based): chr4:122,742,803-122,742,804, GT deleted; deleting any 2 consecutive bases within chr4:122,742,802-122,742,804 gives the same sequence; the c. name uses the placement nearest the transcript's 3' end. VCF-style (leftmost placement, unchanged base first): chr4-122742801-CTG-C. GRCh37 (hg19) VCF-style: chr4-123663956-CTG-C.
Other names: c.911_912del, p.Cys304fs (NM_001178007.2); short protein forms C304fs.
Identifiers: ClinVar variation 1448812 (VCV001448812.9), dbSNP rs2150736648, ClinGen allele CA2573138026.